The following is an entry in ClinVar:

NM_005732.4(RAD50):c.2679A>T (p.Glu893Asp)

Gene: RAD50 (RAD50 double strand break repair protein; plus strand). Cytogenetic location: 5q31.1.
Variant type: single nucleotide variant.
Coding change: c.2679A>T on transcript NM_005732.4 (MANE Select); coding-DNA position 2679, A replaced by T.
Protein change: p.Glu893Asp; replaces glutamic acid 893 with aspartic acid.
Molecular consequence: missense variant.
Genome position (GRCh38, 1-based): chr5:132,604,960, A>T. VCF-style: chr5-132604960-A-T. GRCh37 (hg19) VCF-style: chr5-131940652-A-T.
Other names: short protein forms E893D.
Identifiers: ClinVar variation 1008804 (VCV001008804.9), dbSNP rs1554099198, ClinGen allele CA360956855.

ClinVar aggregate classification (germline): Uncertain significance (1 of 4 stars; one submission).

Conditions:
Hereditary cancer-predisposing syndrome. Also called: Tumor predisposition; Hereditary neoplastic syndrome; Neoplastic Syndromes, Hereditary; Hereditary Cancer Syndrome. Identifiers: Orphanet 140162, MedGen C0027672, MeSH D009386, MONDO:0015356.

Submission:

Labcorp Genetics (formerly Invitae), Labcorp
Classification: Uncertain significance for Hereditary cancer-predisposing syndrome. Last evaluated: 2020-06-15. Review status: criteria provided, single submitter. Criteria: Invitae Variant Classification Sherloc (09022015). Collection method: clinical testing. Allele origin: germline.
Comment: This sequence change replaces glutamic acid with aspartic acid at codon 893 of the RAD50 protein (p.Glu893Asp). The glutamic acid residue is moderately conserved and there is a small physicochemical difference between glutamic acid and aspartic acid. This variant is not present in population databases (ExAC no frequency). This variant has not been reported in the literature in individuals with RAD50-related conditions. Algorithms developed to predict the effect of missense changes on protein structure and function (SIFT, PolyPhen-2, Align-GVGD) all suggest that this variant is likely to be tolerated, but these predictions have not been confirmed by published functional studies and their clinical significance is uncertain. In summary, the available evidence is currently insufficient to determine the role of this variant in disease. Therefore, it has been classified as a Variant of Uncertain Significance.